The following is an entry in ClinVar:

ClinVar aggregate classification (germline): Uncertain significance. Review status: criteria provided, multiple submitters, no conflicts (2 of 4 stars). 2 submissions from 2 submitters: Uncertain significance (2). Last evaluated 2025-11-21.

Conditions:
Cystic fibrosis (CF). Also called: MUCOVISCIDOSIS. Identifiers: Orphanet 586, MedGen C0010674, MONDO:0009061, OMIM 219700. Disease mechanism: loss of function.

Allele frequency attached by ClinVar (database versions not stated): gnomAD exomes below 0.00001; gnomAD 0.00002; ESP Exome Variant Server 0.00008; TOPMed 0.00002.

Submissions (2):

Ambry Genetics
Classification: Uncertain significance for Cystic fibrosis. Last evaluated: 2025-11-21. Review status: criteria provided, single submitter. Criteria: Ambry Variant Classification Scheme 2023. Collection method: clinical testing. Allele origin: germline.
Comment: The p.M1137I variant (also known as c.3411G>C), located in coding exon 21 of the CFTR gene, results from a G to C substitution at nucleotide position 3411. The methionine at codon 1137 is replaced by isoleucine, an amino acid with highly similar properties. This amino acid position is highly conserved on sequence alignment. In addition, this alteration is predicted to be deleterious by in silico analysis. Based on the available evidence, the clinical significance of this variant remains unclear.

Labcorp Genetics (formerly Invitae), Labcorp
Classification: Uncertain significance for Cystic fibrosis. Last evaluated: 2022-01-06. Review status: criteria provided, single submitter. Criteria: Invitae Variant Classification Sherloc (09022015). Collection method: clinical testing. Allele origin: germline.
Comment: This sequence change replaces methionine, which is neutral and non-polar, with isoleucine, which is neutral and non-polar, at codon 1137 of the CFTR protein (p.Met1137Ile). This variant is not present in population databases (gnomAD no frequency). This variant has not been reported in the literature in individuals affected with CFTR-related conditions. Algorithms developed to predict the effect of missense changes on protein structure and function (SIFT, PolyPhen-2, Align-GVGD) all suggest that this variant is likely to be tolerated. In summary, the available evidence is currently insufficient to determine the role of this variant in disease. Therefore, it has been classified as a Variant of Uncertain Significance.

NM_000492.4(CFTR):c.3411G>C (p.Met1137Ile)

Genes: CFTR-AS2 (CFTR antisense RNA 2; minus strand), CFTR (CF transmembrane conductance regulator; plus strand). Cytogenetic location: 7q31.2.
Variant type: single nucleotide variant.
Coding change: c.3411G>C on transcript NM_000492.4 (MANE Select); coding-DNA position 3411, G replaced by C.
Protein change: p.Met1137Ile; replaces methionine 1137 with isoleucine.
Molecular consequence: missense variant.
Genome position (GRCh38, 1-based): chr7:117,614,656, G>C. VCF-style: chr7-117614656-G-C. GRCh37 (hg19) VCF-style: chr7-117254710-G-C.
Other names: short protein forms M1137I.
Identifiers: ClinVar variation 1731176 (VCV001731176.5), dbSNP rs141150961, ClinGen allele CA164968816.